The following is an entry in ClinVar:

NM_000255.4(MMUT):c.1114A>G (p.Ile372Val)

Gene: MMUT (methylmalonyl-CoA mutase; minus strand). Cytogenetic location: 6p12.3.
Variant type: single nucleotide variant.
Coding change: c.1114A>G on transcript NM_000255.4 (MANE Select); coding-DNA position 1114, A replaced by G.
Protein change: p.Ile372Val; replaces isoleucine 372 with valine.
Molecular consequence: missense variant.
Genome position (GRCh38, 1-based): chr6:49,451,684, T>C on the plus strand (A>G on the coding strand, the complement: MMUT is on the minus strand). VCF-style: chr6-49451684-T-C. GRCh37 (hg19) VCF-style: chr6-49419397-T-C.
Other names: short protein forms I372V.
Identifiers: ClinVar variation 2145965 (VCV002145965.2), dbSNP rs770946713, ClinGen allele CA3846957.

ClinVar aggregate classification (germline): Uncertain significance (1 of 4 stars; one submission).

Allele frequency attached by ClinVar (database versions not stated): gnomAD exomes 0.00002; TOPMed below 0.00001; ExAC 0.00002.
gnomAD v4.1: 9 of 1,613,988 alleles (0.00056%); highest among the groups gnomAD compares: East Asian, 0.0089%; no homozygotes.

Submissions (2):

Labcorp Genetics (formerly Invitae), Labcorp
Classification: Uncertain significance. Last evaluated: 2022-08-10. Review status: criteria provided, single submitter. Criteria: Invitae Variant Classification Sherloc (09022015). Collection method: clinical testing. Allele origin: germline.
Comment: This sequence change replaces isoleucine, which is neutral and non-polar, with valine, which is neutral and non-polar, at codon 372 of the MUT protein (p.Ile372Val). This variant is present in population databases (rs770946713, gnomAD 0.01%). This variant has not been reported in the literature in individuals affected with MUT-related conditions. Algorithms developed to predict the effect of missense changes on protein structure and function output the following: SIFT: "Deleterious"; PolyPhen-2: "Benign"; Align-GVGD: "Class C0". The valine amino acid residue is found in multiple mammalian species, which suggests that this missense change does not adversely affect protein function. Algorithms developed to predict the effect of sequence changes on RNA splicing suggest that this variant may create or strengthen a splice site. In summary, the available evidence is currently insufficient to determine the role of this variant in disease. Therefore, it has been classified as a Variant of Uncertain Significance.

Dr. Peter K. Rogan Lab, Western University
No classification provided (evidence only). Condition: Malignant tumor of urinary bladder. Review status: no classification provided. Collection method: in vitro. Allele origin: not applicable. Functional consequence: retained intron. Not counted in ClinVar's aggregate classification.